The following is an entry in ClinVar:

ClinVar aggregate classification (germline): Likely benign. Review status: criteria provided, multiple submitters, no conflicts (2 of 4 stars). 2 submissions from 2 submitters: Likely benign (2). Last evaluated 2026-09-08.

Conditions:
SPATA7-related disorder. Also called: SPATA7-related condition; SPATA7-related disorders. Identifiers: MedGen CN239422.
Leber congenital amaurosis 3 (LCA3). Also called: SPATA7-Related Retinitis Pigmentosa. Identifiers: MedGen C1858677, MONDO:0011415, OMIM 604232.

gnomAD v4.1: 25 of 1,606,726 alleles (0.0016%); highest among the groups gnomAD compares: Non-Finnish European, 0.002%; no homozygotes.

Submissions (2):

PreventionGenetics, part of Exact Sciences
Classification: Likely benign for SPATA7-related condition. Last evaluated: 2026-09-08. Review status: criteria provided, single submitter. Criteria: ACMG Guidelines, 2015. Collection method: clinical testing. Allele origin: germline.
Comment: This variant is classified as likely benign based on ACMG/AMP sequence variant interpretation guidelines (Richards et al. 2015 PMID: 25741868, with internal and published modifications).

Labcorp Genetics (formerly Invitae), Labcorp
Classification: Likely benign for Leber congenital amaurosis 3. Last evaluated: 2024-10-17. Review status: criteria provided, single submitter. Criteria: Invitae Variant Classification Sherloc (09022015). Collection method: clinical testing. Allele origin: germline.

NM_018418.5(SPATA7):c.322C>A (p.Arg108=)

Gene: SPATA7 (spermatogenesis associated 7; plus strand). Cytogenetic location: 14q31.3.
Variant type: single nucleotide variant.
Coding change: c.322C>A on transcript NM_018418.5 (MANE Select); coding-DNA position 322, C replaced by A.
Protein change: p.Arg108=; no amino-acid change (arginine 108 retained).
Molecular consequence: synonymous variant.
Genome position (GRCh38, 1-based): chr14:88,416,794, C>A. VCF-style: chr14-88416794-C-A. GRCh37 (hg19) VCF-style: chr14-88883138-C-A.
Other names: c.226C>A, p.Arg76= (NM_001040428.4); c.322C>A (NM_018418.4).
Identifiers: ClinVar variation 2070637 (VCV002070637.5), dbSNP rs80044281, ClinGen allele CA7298494.
Genomic context (GRCh38, chr14:88,416,794, plus strand): 5'-AAACTCAAAAAGGAATTAGCACAATGTGAAAAAGAGTTCAAATTAACTAAAACTGCAATG[C>A]GAGCCAATTATAAAAATAATTCCAAGTCACTTTTTAATACCTTACAAAAGGTAAGATAGT-3'
Protein context (NP_060888.2, residues 98-118): KEFKLTKTAM[Arg108=]ANYKNNSKSL